The following is an entry in ClinVar:

NM_001378030.1(CCDC78):c.1090A>G (p.Lys364Glu)

Gene: CCDC78 (coiled-coil domain containing 78; minus strand). Cytogenetic location: 16p13.3.
Variant type: single nucleotide variant.
Coding change: c.1090A>G on transcript NM_001378030.1 (MANE Select); coding-DNA position 1090, A replaced by G.
Protein change: p.Lys364Glu; replaces lysine 364 with glutamic acid.
Molecular consequence: missense variant. On other transcripts: non-coding transcript variant (5), intron variant (1).
Genome position (GRCh38, 1-based): chr16:723,900, T>C on the plus strand (A>G on the coding strand, the complement: CCDC78 is on the minus strand). VCF-style: chr16-723900-T-C. GRCh37 (hg19) VCF-style: chr16-773900-T-C.
Other names: c.1090A>G, p.Lys364Glu (NM_001031737.3); c.523A>G, p.Lys175Glu (NM_001378033.1); c.953+422A>G (NM_001378031.1); short protein forms K175E, K364E.
Identifiers: ClinVar variation 3611484 (VCV003611484.2).

ClinVar aggregate classification (germline): Uncertain significance (1 of 4 stars; one submission).

Conditions:
Congenital myopathy with internal nuclei and atypical cores. Also called: Myopathy, centronuclear, 4. Identifiers: Orphanet 319160, MedGen C4707232, MONDO:0013890, OMIM 614807.

gnomAD v4.1: 4 of 1,601,176 alleles (0.00025%); highest among the groups gnomAD compares: Middle Eastern, 0.017%; no homozygotes.

Submission:

Labcorp Genetics (formerly Invitae), Labcorp
Classification: Uncertain significance for Congenital myopathy with internal nuclei and atypical cores. Last evaluated: 2024-03-03. Review status: criteria provided, single submitter. Criteria: Invitae Variant Classification Sherloc (09022015). Collection method: clinical testing. Allele origin: germline.
Comment: This sequence change replaces lysine, which is basic and polar, with glutamic acid, which is acidic and polar, at codon 364 of the CCDC78 protein (p.Lys364Glu). This variant is not present in population databases (gnomAD no frequency). This variant has not been reported in the literature in individuals affected with CCDC78-related conditions. Advanced modeling of protein sequence and biophysical properties (such as structural, functional, and spatial information, amino acid conservation, physicochemical variation, residue mobility, and thermodynamic stability) performed at Invitae indicates that this missense variant is not expected to disrupt CCDC78 protein function with a negative predictive value of 80%. In summary, the available evidence is currently insufficient to determine the role of this variant in disease. Therefore, it has been classified as a Variant of Uncertain Significance.